The following is an entry in ClinVar:

ClinVar aggregate classification (germline): Uncertain significance (1 of 4 stars; one submission).

Conditions:
Neuronopathy, distal hereditary motor, type 7A. Also called: Neuronopathy, distal hereditary motor, type viia; NEURONOPATHY, DISTAL HEREDITARY MOTOR, HARDING TYPE VIIA; NEUROPATHY, DISTAL HEREDITARY MOTOR, HARDING TYPE VIIA; Neuronopathy, distal hereditary motor, autosomal dominant 7; HARPER-YOUNG MYOPATHY; HMN VIIA. Identifiers: Orphanet 139589, MedGen C1834703, MONDO:0008024, OMIM 158580.
Congenital myasthenic syndrome 20. Also called: Myasthenic syndrome, congenital, 20, presynaptic. Identifiers: MedGen C4310694, MONDO:0014939, OMIM 617143.

Allele frequency attached by ClinVar (database versions not stated): gnomAD exomes below 0.00001.
gnomAD v4.1: 1 of 1,614,172 alleles (0.000062%); highest among the groups gnomAD compares: African/African-American, 0.0013%; no homozygotes.

Submission:

Labcorp Genetics (formerly Invitae), Labcorp
Classification: Uncertain significance for Neuronopathy, distal hereditary motor, type 7A; Congenital myasthenic syndrome 20. Last evaluated: 2021-08-03. Review status: criteria provided, single submitter. Criteria: Invitae Variant Classification Sherloc (09022015). Collection method: clinical testing. Allele origin: germline.
Comment: In summary, the available evidence is currently insufficient to determine the role of this variant in disease. Therefore, it has been classified as a Variant of Uncertain Significance. Algorithms developed to predict the effect of missense changes on protein structure and function are either unavailable or do not agree on the potential impact of this missense change (SIFT: "Deleterious"; PolyPhen-2: "Benign"; Align-GVGD: "Class C0"). This variant has not been reported in the literature in individuals affected with SLC5A7-related conditions. This variant is not present in population databases (ExAC no frequency). This sequence change replaces alanine with valine at codon 219 of the SLC5A7 protein (p.Ala219Val). The alanine residue is highly conserved and there is a small physicochemical difference between alanine and valine.

NM_021815.5(SLC5A7):c.656C>T (p.Ala219Val)

Gene: SLC5A7 (solute carrier family 5 member 7; plus strand). Cytogenetic location: 2q12.3.
Variant type: single nucleotide variant.
Coding change: c.656C>T on transcript NM_021815.5 (MANE Select); coding-DNA position 656, C replaced by T.
Protein change: p.Ala219Val; replaces alanine 219 with valine.
Molecular consequence: missense variant. On other transcripts: 5 prime UTR variant (1).
Genome position (GRCh38, 1-based): chr2:108,001,955, C>T. VCF-style: chr2-108001955-C-T. GRCh37 (hg19) VCF-style: chr2-108618411-C-T.
Other names: c.656C>T, p.Ala219Val (NM_001305005.3); c.341C>T, p.Ala114Val (NM_001305006.3); c.-86C>T (NM_001305007.3); short protein forms A114V, A219V.
Identifiers: ClinVar variation 1509917 (VCV001509917.6), dbSNP rs2104364447, ClinGen allele CA348112831.